The following is an entry in ClinVar:

NM_001077525.3(MTMR14):c.208T>C (p.Cys70Arg)

Gene: MTMR14 (myotubularin related protein 14; plus strand). Cytogenetic location: 3p25.3.
Variant type: single nucleotide variant.
Coding change: c.208T>C on transcript NM_001077525.3 (MANE Select); coding-DNA position 208, T replaced by C.
Protein change: p.Cys70Arg; replaces cysteine 70 with arginine.
Molecular consequence: missense variant. On other transcripts: 5 prime UTR variant (14), non-coding transcript variant (8), intron variant (6).
Genome position (GRCh38, 1-based): chr3:9,653,669, T>C. VCF-style: chr3-9653669-T-C. GRCh37 (hg19) VCF-style: chr3-9695353-T-C.
Other names: c.208T>C, p.Cys70Arg (NM_001077526.3, NM_001400519.1, NM_001400520.1 and 9 more transcripts); c.277T>C, p.Cys93Arg (NM_001400518.1, NM_001400521.1, NM_001400526.1); c.-298T>C (NM_001400533.1, NM_001400539.1, NM_001400545.1); c.-359T>C (NM_001400534.1, NM_001400538.1, NM_001400541.1 and 3 more transcripts); c.-326T>C (NM_001400540.1); c.-371T>C (NM_001400544.1); c.-508T>C (NM_001400547.1); c.-432T>C (NM_001400548.1); and 4 more; short protein forms C70R, C93R.
Identifiers: ClinVar variation 2037615 (VCV002037615.4), dbSNP rs1236014367, ClinGen allele CA351804052.

ClinVar aggregate classification (germline): Uncertain significance (1 of 4 stars; one submission).

Allele frequency attached by ClinVar (database versions not stated): gnomAD 0.00001.
gnomAD v4.1: 3 of 1,614,086 alleles (0.00019%); highest among the groups gnomAD compares: Non-Finnish European, 0.000085%; no homozygotes.

Submission:

Labcorp Genetics (formerly Invitae), Labcorp
Classification: Uncertain significance. Last evaluated: 2022-04-17. Review status: criteria provided, single submitter. Criteria: Invitae Variant Classification Sherloc (09022015). Collection method: clinical testing. Allele origin: germline.
Comment: This sequence change replaces cysteine, which is neutral and slightly polar, with arginine, which is basic and polar, at codon 70 of the MTMR14 protein (p.Cys70Arg). In summary, the available evidence is currently insufficient to determine the role of this variant in disease. Therefore, it has been classified as a Variant of Uncertain Significance. Algorithms developed to predict the effect of missense changes on protein structure and function (SIFT, PolyPhen-2, Align-GVGD) all suggest that this variant is likely to be tolerated. This variant has not been reported in the literature in individuals affected with MTMR14-related conditions. This variant is present in population databases (no rsID available, gnomAD 0.03%).